The following is an entry in ClinVar:

ClinVar aggregate classification (germline): Pathogenic (1 of 4 stars; one submission).

Conditions:
Chromosome 2q32-q33 deletion syndrome (GLASS). Also called: Glass syndrome; 2q33.1 deletion syndrome. Identifiers: Orphanet 251019, MedGen C2676739, MONDO:0012864, OMIM 612313.

Submission:

Labcorp Genetics (formerly Invitae), Labcorp
Classification: Pathogenic for Chromosome 2q32-q33 deletion syndrome. Last evaluated: 2023-04-12. Review status: criteria provided, single submitter. Criteria: Invitae Variant Classification Sherloc (09022015). Collection method: clinical testing. Allele origin: unknown.
Comment: For these reasons, this variant has been classified as Pathogenic. Isolated whole-gene deletions of SATB2 have not been reported in the literature. However, larger copy number events that include this gene have been reported (PMID: 21343628, 29436146). A gross deletion of the genomic region encompassing the full coding sequence of the SATB2 gene has been identified. Loss-of-function variants in SATB2 are known to be pathogenic (PMID: 25885067). The boundaries of this event are unknown as they extend beyond the assayed region for this gene and therefore may encompass additional genes.

Literature cited by the submitters: PubMed 21343628; PubMed 29436146; PubMed 25885067.

NC_000002.11:g.(?_200136934)_(200320760_?)del

Gene: SATB2 (SATB homeobox 2; minus strand). Cytogenetic location: 2q33.1.
Variant type: Deletion.
Identifiers: ClinVar variation 3247346 (VCV003247346.1).